The following is an entry in ClinVar:

NM_198834.3(ACACA):c.5357G>C (p.Arg1786Thr)

Gene: ACACA (acetyl-CoA carboxylase alpha; minus strand). Cytogenetic location: 17q12.
Variant type: single nucleotide variant.
Coding change: c.5357G>C on transcript NM_198834.3 (MANE Select); coding-DNA position 5357, G replaced by C.
Protein change: p.Arg1786Thr; replaces arginine 1786 with threonine.
Molecular consequence: missense variant.
Genome position (GRCh38, 1-based): chr17:37,155,773, C>G on the plus strand (G>C on the coding strand, the complement: ACACA is on the minus strand). VCF-style: chr17-37155773-C-G. GRCh37 (hg19) VCF-style: chr17-35512695-C-G.
Other names: c.5246G>C, p.Arg1749Thr (NM_198836.3, NM_198839.3); c.5072G>C, p.Arg1691Thr (NM_198837.2); c.5012G>C, p.Arg1671Thr (NM_198838.2); short protein forms R1749T, R1671T, R1786T, R1691T.
Identifiers: ClinVar variation 1937884 (VCV001937884.5), dbSNP rs1411105163, ClinGen allele CA399179741.

ClinVar aggregate classification (germline): Uncertain significance (1 of 4 stars; one submission).

Allele frequency attached by ClinVar (database versions not stated): TOPMed below 0.00001.
gnomAD v4.1: 1 of 1,598,030 alleles (0.000063%); highest among the groups gnomAD compares: Non-Finnish European, 0.000086%; no homozygotes.

Submission:

Labcorp Genetics (formerly Invitae), Labcorp
Classification: Uncertain significance. Last evaluated: 2025-10-02. Review status: criteria provided, single submitter. Criteria: Invitae Variant Classification Sherloc (09022015). Collection method: clinical testing. Allele origin: germline.
Comment: This sequence change replaces arginine, which is basic and polar, with threonine, which is neutral and polar, at codon 1749 of the ACACA protein (p.Arg1749Thr). This variant is not present in population databases (gnomAD no frequency). This variant has not been reported in the literature in individuals affected with ACACA-related conditions. ClinVar contains an entry for this variant (Variation ID: 1937884). An algorithm developed to predict the effect of missense changes on protein structure and function (PolyPhen-2) suggests that this variant is likely to be tolerated. In summary, the available evidence is currently insufficient to determine the role of this variant in disease. Therefore, it has been classified as a Variant of Uncertain Significance.